The following is an entry in ClinVar:

NM_001283009.2(RTEL1):c.1636+10C>T

Genes: RTEL1 (regulator of telomere elongation helicase 1; plus strand), RTEL1-TNFRSF6B (RTEL1-TNFRSF6B readthrough (NMD candidate); plus strand). Cytogenetic location: 20q13.33.
Variant type: single nucleotide variant.
Coding change: c.1636+10C>T on transcript NM_001283009.2 (MANE Select); 10 bases into the intron after coding-DNA position 1636, C replaced by T.
Molecular consequence: intron variant.
Genome position (GRCh38, 1-based): chr20:63,688,189, C>T. VCF-style: chr20-63688189-C-T. GRCh37 (hg19) VCF-style: chr20-62319542-C-T.
Other names: p.?; c.967+10C>T (NM_001283010.1); c.1708+10C>T (NM_032957.5); c.1636+10C>T (NM_016434.4).
Identifiers: ClinVar variation 1137658 (VCV001137658.10), dbSNP rs915525803, ClinGen allele CA317510814.

ClinVar aggregate classification (germline): Likely benign. Review status: criteria provided, multiple submitters, no conflicts (2 of 4 stars). 2 submissions from 2 submitters: Likely benign (2). Last evaluated 2026-01-27.

Conditions:
Dyskeratosis congenita, autosomal recessive 5 (DKCB5). Identifiers: MedGen C3554656, MONDO:0014076, OMIM 615190.
Pulmonary fibrosis and/or bone marrow failure, Telomere-related, 3. Also called: PULMONARY FIBROSIS AND/OR BONE MARROW FAILURE SYNDROME, TELOMERE-RELATED, 3. Identifiers: Orphanet 2032, MedGen C4225346, MONDO:0014613, OMIM 616373.

Allele frequency attached by ClinVar (database versions not stated): gnomAD exomes below 0.00001; gnomAD 0.00001 and 0.00002; TOPMed 0.00008.

Submissions (2):

Labcorp Genetics (formerly Invitae), Labcorp
Classification: Likely benign for Dyskeratosis congenita, autosomal recessive 5; Pulmonary fibrosis and/or bone marrow failure, Telomere-related, 3. Last evaluated: 2026-01-27. Review status: criteria provided, single submitter. Criteria: Invitae Variant Classification Sherloc (09022015). Collection method: clinical testing. Allele origin: germline.

Mayo Clinic Laboratories, Mayo Clinic
Classification: Likely benign. Last evaluated: 2025-06-10. Review status: criteria provided, single submitter. Criteria: ACMG Guidelines, 2015. Collection method: clinical testing. Allele origin: germline. Observed: 1 variant allele.
Comment: BP4, BP7